The following is an entry in ClinVar:

ClinVar aggregate classification (germline): Pathogenic (1 of 4 stars; one submission).

Submission:

Labcorp Genetics (formerly Invitae), Labcorp
Classification: Pathogenic. Last evaluated: 2025-07-02. Review status: criteria provided, single submitter. Criteria: Invitae Variant Classification Sherloc (09022015). Collection method: clinical testing. Allele origin: germline.
Comment: This sequence change creates a premature translational stop signal (p.Gln99*) in the NDP gene. While this is not anticipated to result in nonsense mediated decay, it is expected to disrupt the last 35 amino acid(s) of the NDP protein. This variant is not present in population databases (gnomAD no frequency). This premature translational stop signal has been observed in individuals with NDP-related conditions (PMID: 22786811). ClinVar contains an entry for this variant (Variation ID: 2737214). This variant disrupts a region of the NDP protein in which other variant(s) (p.Cys131*) have been determined to be pathogenic (PMID: 25711638; internal data). This suggests that this is a clinically significant region of the protein, and that variants that disrupt it are likely to be disease-causing. For these reasons, this variant has been classified as Pathogenic.

Literature cited by the submitters: PubMed 22786811; PubMed 25711638.

NM_000266.4(NDP):c.295C>T (p.Gln99Ter)

Genes: NDP (norrin cystine knot growth factor NDP; minus strand), NDP-AS1 (NDP antisense RNA 1; plus strand). Cytogenetic location: Xp11.3.
Variant type: single nucleotide variant.
Coding change: c.295C>T on transcript NM_000266.4 (MANE Select); coding-DNA position 295, C replaced by T.
Protein change: p.Gln99Ter; replaces glutamine 99 with a stop codon.
Molecular consequence: nonsense. On other transcripts: non-coding transcript variant (1).
Genome position (GRCh38, 1-based): chrX:43,949,906, G>A on the plus strand (C>T on the coding strand, the complement: NDP is on the minus strand). VCF-style: chrX-43949906-G-A. GRCh37 (hg19) VCF-style: chrX-43809152-G-A.
Other names: short protein forms Q99*.
Identifiers: ClinVar variation 2737214 (VCV002737214.3), dbSNP rs2519314969, ClinGen allele CA413007505.
Genomic context (GRCh38, chrX:43,949,906, plus strand): 5'-TGGCAGTGAGTCGCATGCCCCCTGAGCATCGCAGCCGCAGTGCCTTCAGCTTGGAAGTCT[G>A]GGGCCGGCAGCAGTGACAGGAGGAACGGAAGGGTTGCTTGAGGACAGTGCTGAACGACAC-3'